The following is an entry in ClinVar:

NM_000530.8(MPZ):c.382G>A (p.Asp128Asn)

Gene: MPZ (myelin protein zero; minus strand). Cytogenetic location: 1q23.3.
Variant type: single nucleotide variant.
Coding change: c.382G>A on transcript NM_000530.8 (MANE Select); coding-DNA position 382, G replaced by A.
Protein change: p.Asp128Asn; replaces aspartic acid 128 with asparagine.
Molecular consequence: missense variant.
Genome position (GRCh38, 1-based): chr1:161,306,774, C>T on the plus strand (G>A on the coding strand, the complement: MPZ is on the minus strand). VCF-style: chr1-161306774-C-T. GRCh37 (hg19) VCF-style: chr1-161276564-C-T.
Other names: D99N; c.382G>A, p.Asp128Asn (LRG_256t1, NM_001315491.2); short protein forms D128N.
Identifiers: ClinVar variation 242747 (VCV000242747.9), dbSNP rs267607243, ClinGen allele CA351448.

ClinVar aggregate classification (germline): Likely pathogenic. Review status: criteria provided, single submitter (1 of 4 stars). 2 submissions from 2 submitters: Likely pathogenic (1). 1 of the submissions does not count toward it. Last evaluated 2021-11-11.

Conditions:
Charcot-Marie-Tooth disease, type I (CMT1). Also called: Charcot-Marie-Tooth, Type 1; Charcot-Marie-Tooth disease type 1. Identifiers: Orphanet 65753, MedGen C0751036, MONDO:0019011.
Charcot-Marie-Tooth disease. Also called: Charcot-Marie-Tooth Hereditary Neuropathy; Charcot-Marie-Tooth Neuropathy. Identifiers: Orphanet 166, MedGen C0007959, MONDO:0015626.

Submissions (2):

Labcorp Genetics (formerly Invitae), Labcorp
Classification: Likely pathogenic for Charcot-Marie-Tooth disease, type I. Last evaluated: 2021-11-11. Review status: criteria provided, single submitter. Criteria: Invitae Variant Classification Sherloc (09022015). Collection method: clinical testing. Allele origin: germline.
Comment: Algorithms developed to predict the effect of missense changes on protein structure and function are either unavailable or do not agree on the potential impact of this missense change (SIFT: "Deleterious"; PolyPhen-2: "Probably Damaging"; Align-GVGD: "Class C15"). In summary, the currently available evidence indicates that the variant is pathogenic, but additional data are needed to prove that conclusively. Therefore, this variant has been classified as Likely Pathogenic. This variant disrupts the p.Asp128 amino acid residue in MPZ. Other variant(s) that disrupt this residue have been observed in individuals with MPZ-related conditions (PMID: 9888385, 18636082), which suggests that this may be a clinically significant amino acid residue. ClinVar contains an entry for this variant (Variation ID: 242747). This missense change has been observed in individual(s) with Charcot-Marie-Tooth disease (PMID: 10463363). In at least one individual the variant was observed to be de novo. This variant is not present in population databases (gnomAD no frequency). This sequence change replaces aspartic acid, which is acidic and polar, with asparagine, which is neutral and polar, at codon 128 of the MPZ protein (p.Asp128Asn).

Inherited Neuropathy Consortium
Classification: Uncertain significance for Charcot-Marie-Tooth disease. Review status: no assertion criteria provided. Collection method: literature only. Allele origin: germline. Affected: yes. Not counted in ClinVar's aggregate classification.

Literature cited by the submitters: PubMed 9888385 (cited by Labcorp Genetics (formerly Invitae), Labcorp); PubMed 18636082 (cited by Labcorp Genetics (formerly Invitae), Labcorp); PubMed 10463363 (cited by Labcorp Genetics (formerly Invitae), Labcorp and Inherited Neuropathy Consortium).